The following is an entry in ClinVar:

NM_012260.4(HACL1):c.*8C>T

Gene: HACL1 (2-hydroxyacyl-CoA lyase 1; minus strand). Cytogenetic location: 3p25.1.
Variant type: single nucleotide variant.
Coding change: c.*8C>T on transcript NM_012260.4 (MANE Select); 8 bases downstream of the stop codon, C replaced by T.
Molecular consequence: 3 prime UTR variant. On other transcripts: non-coding transcript variant (1).
Genome position (GRCh38, 1-based): chr3:15,560,857, G>A on the plus strand (C>T on the coding strand, the complement: HACL1 is on the minus strand). VCF-style: chr3-15560857-G-A. GRCh37 (hg19) VCF-style: chr3-15602364-G-A.
Other names: c.*8C>T (NM_001284413.2, NM_001284415.2, NM_001284416.2).
Identifiers: ClinVar variation 3038227 (VCV003038227.2), dbSNP rs141479215, ClinGen allele CA2276427.
Genomic context (GRCh38, chr3:15,560,857, plus strand): 5'-TGCTGTGGAAAATAAAATTTCATCTTGCAAGAAAGAGAAAACTCAAGACCACCAACTGGC[G>A]TCTTTATTTACATATTAGAGCGGGTCAGCCAATGAAAATCCTAGAAAAAGAAGACAACAA-3'

ClinVar aggregate classification (germline): Likely benign (0 of 4 stars; one submission).

Conditions:
HACL1-related disorder. Also called: HACL1-related condition.

Allele frequency attached by ClinVar (database versions not stated): 1000 Genomes Project 30x 0.00031; 1000 Genomes Project 0.00040; TOPMed 0.00156; ESP Exome Variant Server 0.00169; ExAC 0.00174; gnomAD 0.00183; gnomAD exomes 0.00226.
gnomAD v4.1: 3,515 of 1,593,954 alleles (0.22%); highest among the groups gnomAD compares: Non-Finnish European, 0.26%; 7 homozygotes.

Submission:

PreventionGenetics, part of Exact Sciences
Classification: Likely benign for HACL1-related condition. Last evaluated: 2019-03-18. Review status: no assertion criteria provided. Collection method: clinical testing. Allele origin: germline.
Comment: This variant is classified as likely benign based on ACMG/AMP sequence variant interpretation guidelines (Richards et al. 2015 PMID: 25741868, with internal and published modifications).